The following is an entry in ClinVar:

ClinVar aggregate classification (germline): Uncertain significance (1 of 4 stars; one submission).

Conditions:
Inborn genetic diseases. Identifiers: MedGen C0950123, MeSH D030342.

Submission:

Ambry Genetics
Classification: Uncertain significance for Inborn genetic diseases. Last evaluated: 2025-05-22. Review status: criteria provided, single submitter. Criteria: Ambry Variant Classification Scheme 2023. Collection method: clinical testing. Allele origin: germline.
Comment: The p.L528V variant (also known as c.1582T>G), located in coding exon 9 of the RECQL4 gene, results from a T to G substitution at nucleotide position 1582. The leucine at codon 528 is replaced by valine, an amino acid with highly similar properties. This amino acid position is conserved. In addition, the in silico prediction for this alteration is inconclusive. Based on the available evidence, the clinical significance of this variant remains unclear.

NM_004260.4(RECQL4):c.1582T>G (p.Leu528Val)

Gene: RECQL4 (RecQ like helicase 4; minus strand). Cytogenetic location: 8q24.3.
Variant type: single nucleotide variant.
Coding change: c.1582T>G on transcript NM_004260.4 (MANE Select); coding-DNA position 1582, T replaced by G.
Protein change: p.Leu528Val; replaces leucine 528 with valine.
Molecular consequence: missense variant. On other transcripts: non-coding transcript variant (3).
Genome position (GRCh38, 1-based): chr8:144,514,974, A>C on the plus strand (T>G on the coding strand, the complement: RECQL4 is on the minus strand). VCF-style: chr8-144514974-A-C. GRCh37 (hg19) VCF-style: chr8-145740358-A-C.
Other names: c.1486T>G, p.Leu496Val (NM_001413017.1, NM_001413020.1); c.1582T>G, p.Leu528Val (NM_001413018.1, NM_001413019.1, NM_001413033.1 and 1 more transcripts); c.511T>G, p.Leu171Val (NM_001413021.1, NM_001413022.1, NM_001413023.1 and 7 more transcripts); c.1453T>G, p.Leu485Val (NM_001413025.1); c.445T>G, p.Leu149Val (NM_001413027.1, NM_001413030.1, NM_001413031.1 and 2 more transcripts); c.1231T>G, p.Leu411Val (NM_001413029.1); c.1552T>G, p.Leu518Val (NM_001413039.1); c.481T>G, p.Leu161Val (NM_001413042.1); and 1 more; short protein forms L485V, L528V, L161V, L171V, L496V, L518V, L149V, L39V.
Identifiers: ClinVar variation 3944335 (VCV003944335.1).